The following is an entry in ClinVar:

ClinVar aggregate classification (germline): Uncertain significance (1 of 4 stars; one submission).

Submission:

Ambry Genetics
Classification: Uncertain significance. Last evaluated: 2023-12-21. Review status: criteria provided, single submitter. Criteria: Ambry Variant Classification Scheme 2023. Collection method: clinical testing. Allele origin: germline.
Comment: The p.Q342H variant (also known as c.1026G>C), located in coding exon 5 of the MNDA gene, results from a G to C substitution at nucleotide position 1026. The glutamine at codon 342 is replaced by histidine, an amino acid with highly similar properties. This amino acid position is conserved. In addition, this alteration is predicted to be tolerated by in silico analysis. Since supporting evidence is limited at this time, the clinical significance of this alteration remains unclear.

NM_002432.3(MNDA):c.1026G>C (p.Gln342His)

Gene: MNDA (myeloid cell nuclear differentiation antigen; plus strand). Cytogenetic location: 1q23.1.
Variant type: single nucleotide variant.
Coding change: c.1026G>C on transcript NM_002432.3 (MANE Select); coding-DNA position 1026, G replaced by C.
Protein change: p.Gln342His; replaces glutamine 342 with histidine.
Molecular consequence: missense variant.
Genome position (GRCh38, 1-based): chr1:158,847,766, G>C. VCF-style: chr1-158847766-G-C. GRCh37 (hg19) VCF-style: chr1-158817556-G-C.
Other names: short protein forms Q342H.
Identifiers: ClinVar variation 3222162 (VCV003222162.1), dbSNP rs1371410506, ClinGen allele CA343043819.
Genomic context (GRCh38, chr1:158,847,766, plus strand): 5'-GGATGTTAATCTTCTTTTGCAGAAAAGCGTACACAAGAAGAACACAATTTATGAAATACA[G>C]GATAATACAGGATCCATGGATGTAGTGGGGAGTGGAAAATGGCACAATATCAAGTGTGAG-3'
Protein context (NP_002423.1, residues 332-352): VHKKNTIYEI[Gln342His]DNTGSMDVVG